The following is an entry in ClinVar:

ClinVar aggregate classification (germline): Uncertain significance (1 of 4 stars; one submission).

Conditions:
Cardiovascular phenotype. Identifiers: MedGen CN230736.

Allele frequency attached by ClinVar (database versions not stated): gnomAD exomes below 0.00001; ExAC 0.00002; gnomAD 0.00008; TOPMed 0.00009; ESP Exome Variant Server 0.00016.
gnomAD v4.1: 18 of 1,613,406 alleles (0.0011%); highest among the groups gnomAD compares: African/African-American, 0.024%; no homozygotes.

Submission:

Ambry Genetics
Classification: Uncertain significance for Cardiovascular phenotype. Last evaluated: 2019-11-13. Review status: criteria provided, single submitter. Criteria: Ambry Variant Classification Scheme 2023. Collection method: clinical testing. Allele origin: germline.
Comment: The p.G16072A variant (also known as c.48215G>C), located in coding exon 153 of the TTN gene, results from a G to C substitution at nucleotide position 48215. The glycine at codon 16072 is replaced by alanine, an amino acid with similar properties. This amino acid position is highly conserved in available vertebrate species. In addition, the in silico prediction for this alteration is inconclusive. Since supporting evidence is limited at this time, the clinical significance of this alteration remains unclear.

NM_001267550.2(TTN):c.75410G>C (p.Gly25137Ala)

Genes: TTN (titin; minus strand), TTN-AS1 (TTN antisense RNA 1; plus strand). Cytogenetic location: 2q31.2.
Variant type: single nucleotide variant.
Coding change: c.75410G>C on transcript NM_001267550.2 (MANE Select); coding-DNA position 75410, G replaced by C.
Protein change: p.Gly25137Ala; replaces glycine 25137 with alanine.
Molecular consequence: missense variant.
Genome position (GRCh38, 1-based): chr2:178,570,722, C>G on the plus strand (G>C on the coding strand, the complement: TTN is on the minus strand). VCF-style: chr2-178570722-C-G. GRCh37 (hg19) VCF-style: chr2-179435449-C-G.
Other names: c.70487G>C, p.Gly23496Ala (NM_001256850.1); c.48215G>C, p.Gly16072Ala (NM_003319.4); c.67706G>C, p.Gly22569Ala (NM_133378.4); c.48590G>C, p.Gly16197Ala (NM_133432.3); c.48791G>C, p.Gly16264Ala (NM_133437.4); short protein forms G23496A, G16264A, G25137A, G16072A, G16197A, G22569A.
Identifiers: ClinVar variation 1743365 (VCV001743365.2), dbSNP rs369755096, ClinGen allele CA1990052.